The following is an entry in ClinVar:

NM_000891.3(KCNJ2):c.-1G>T

Gene: KCNJ2 (potassium inwardly rectifying channel subfamily J member 2; plus strand). Cytogenetic location: 17q24.3.
Variant type: single nucleotide variant.
Coding change: c.-1G>T on transcript NM_000891.3 (MANE Select); 1 bases upstream of the start codon, G replaced by T.
Molecular consequence: 5 prime UTR variant.
Genome position (GRCh38, 1-based): chr17:70,175,039, G>T. VCF-style: chr17-70175039-G-T. GRCh37 (hg19) VCF-style: chr17-68171180-G-T.
Identifiers: ClinVar variation 1784213 (VCV001784213.3), dbSNP rs561773121, ClinGen allele CA8738676.

ClinVar aggregate classification (germline): Uncertain significance (1 of 4 stars; one submission).

Conditions:
Cardiovascular phenotype. Identifiers: MedGen CN230736.

Submission:

Ambry Genetics
Classification: Uncertain significance for Cardiovascular phenotype. Last evaluated: 2025-08-13. Review status: criteria provided, single submitter. Criteria: Ambry Variant Classification Scheme 2023. Collection method: clinical testing. Allele origin: germline.
Comment: The c.-1G>T variant is located in the 5' untranslated region (5&rsquo; UTR) of the KCNJ2 gene. This variant results from a G to T substitution 1 base upstream from the first translated codon. This nucleotide position is not well conserved in available vertebrate species. Since supporting evidence is limited at this time, the clinical significance of this alteration remains unclear.